The following is an entry in ClinVar:

ClinVar aggregate classification (germline): Uncertain significance (1 of 4 stars; one submission).

Conditions:
Melanoma, cutaneous malignant, susceptibility to, 5. Also called: Cutaneous malignant melanoma 5. Identifiers: Orphanet 618, MedGen C2751295, MONDO:0013133, OMIM 613099.

Submission:

Labcorp Genetics (formerly Invitae), Labcorp
Classification: Uncertain significance for Melanoma, cutaneous malignant, susceptibility to, 5. Last evaluated: 2019-05-30. Review status: criteria provided, single submitter. Criteria: Invitae Variant Classification Sherloc (09022015). Collection method: clinical testing. Allele origin: germline.
Comment: In summary, the available evidence is currently insufficient to determine the role of this variant in disease. Therefore, it has been classified as a Variant of Uncertain Significance. Experimental studies and prediction algorithms are not available or were not evaluated for this variant, and the functional significance of the affected amino acid(s) is currently unknown. This variant has not been reported in the literature in individuals with MC1R-related conditions. This variant is not present in population databases (ExAC no frequency). This sequence change results in a premature translational stop signal in the MC1R gene (p.Leu309Alafs*26). While this is not anticipated to result in nonsense mediated decay, it is expected to disrupt the last 11 amino acids of the MC1R protein.

NM_002386.4(MC1R):c.920_923delinsCT (p.Arg307fs)

Gene: MC1R (melanocortin 1 receptor; plus strand). Cytogenetic location: 16q24.3.
Variant type: Indel.
Coding change: c.920_923delinsCT on transcript NM_002386.4 (MANE Select); coding-DNA positions 920 to 923, GGAC replaced by CT.
Protein change: p.Arg307fs; shifts the reading frame from arginine 307.
Molecular consequence: frameshift variant.
Genome position (GRCh38, 1-based): chr16:89,920,178-89,920,181, GGAC replaced by CT. VCF-style: chr16-89920178-GGAC-CT. GRCh37 (hg19) VCF-style: chr16-89986586-GGAC-CT.
Other names: short protein forms R307fs.
Identifiers: ClinVar variation 968434 (VCV000968434.5), dbSNP rs2045707558, ClinGen allele CA1139665005.